The following is an entry in ClinVar:

NM_017780.4(CHD7):c.829C>G (p.Pro277Ala)

Gene: CHD7 (chromodomain helicase DNA binding protein 7; plus strand). Cytogenetic location: 8q12.2.
Variant type: single nucleotide variant.
Coding change: c.829C>G on transcript NM_017780.4 (MANE Select); coding-DNA position 829, C replaced by G.
Protein change: p.Pro277Ala; replaces proline 277 with alanine.
Molecular consequence: missense variant.
Genome position (GRCh38, 1-based): chr8:60,742,261, C>G. VCF-style: chr8-60742261-C-G. GRCh37 (hg19) VCF-style: chr8-61654820-C-G.
Other names: c.829C>G, p.Pro277Ala (NM_001316690.1); short protein forms P277A.
Identifiers: ClinVar variation 2729298 (VCV002729298.3), dbSNP rs1563560771, ClinGen allele CA371299628.
Genomic context (GRCh38, chr8:60,742,261, plus strand): 5'-CATCACCACCCCTCTACTGCTCTCCATGGAGAATCCGTTGCCCACAGTCCCAGATTCTCC[C>G]CGAATCCTCCCCAACAAGGGGCTGTTAGGCCGCAAACCCTTAACTTTAGTTCTCGGAGCC-3'
Protein context (NP_060250.2, residues 267-287): ESVAHSPRFS[Pro277Ala]NPPQQGAVRP

ClinVar aggregate classification (germline): Uncertain significance (1 of 4 stars; one submission).

Conditions:
CHARGE syndrome (CHARGE). Also called: Hittner Hirsch Kreh syndrome; CHARGE ASSOCIATION--COLOBOMA, HEART ANOMALY, CHOANAL ATRESIA, RETARDATION, GENITAL AND EAR ANOMALIES; Coloboma, heart anomaly, choanal atresia, retardation, genital and ear anomalies; CHARGE association; Hall-Hittner syndrome. Identifiers: Orphanet 138, MedGen C0265354, MONDO:0008965.

Submission:

Labcorp Genetics (formerly Invitae), Labcorp
Classification: Uncertain significance for CHARGE syndrome. Last evaluated: 2023-12-01. Review status: criteria provided, single submitter. Criteria: Invitae Variant Classification Sherloc (09022015). Collection method: clinical testing. Allele origin: germline.
Comment: This sequence change replaces proline, which is neutral and non-polar, with alanine, which is neutral and non-polar, at codon 277 of the CHD7 protein (p.Pro277Ala). This variant is not present in population databases (gnomAD no frequency). This variant has not been reported in the literature in individuals affected with CHD7-related conditions. Advanced modeling of protein sequence and biophysical properties (such as structural, functional, and spatial information, amino acid conservation, physicochemical variation, residue mobility, and thermodynamic stability) performed at Invitae indicates that this missense variant is not expected to disrupt CHD7 protein function with a negative predictive value of 95%. In summary, the available evidence is currently insufficient to determine the role of this variant in disease. Therefore, it has been classified as a Variant of Uncertain Significance.